The following is an entry in ClinVar:

NC_000016.9:g.(?_2098597)_(2550979_?)dup

Genes: NTN3 (netrin 3; plus strand), PGP (phosphoglycolate phosphatase; minus strand), DNASE1L2 (deoxyribonuclease 1 like 2; plus strand), E4F1 (E4F transcription factor 1; plus strand), MIR1225 (microRNA 1225; minus strand) and 13 more. Cytogenetic location: 16p13.3.
Variant type: Duplication.
Identifiers: ClinVar variation 1010653 (VCV001010653.1).

ClinVar aggregate classification (germline): Uncertain significance (1 of 4 stars; one submission).

Conditions:
Caused by mutation in the TBC1 domain family, member 24.
Developmental and epileptic encephalopathy, 1 (DEE1). Also called: X-linked infantile spasms; West's syndrome; Tonic spasms with clustering, arrest of psychomotor development and hypsarrhythmia on EEG; X-Linked Infantile Spasm Syndrome; OHTAHARA SYNDROME, X-LINKED; Epileptic encephalopathy, early infantile, 1. Identifiers: MedGen C3463992, MONDO:0010632, OMIM 308350. Disease mechanism: loss of function.
Autosomal dominant nonsyndromic hearing loss 65. Also called: Deafness, autosomal dominant 65; TBC1D24-Related Autosomal Dominant Nonsyndromic Hearing Loss (DFNA). Identifiers: Orphanet 90635, MedGen C3892048, MONDO:0014470, OMIM 616044.

Submission:

Labcorp Genetics (formerly Invitae), Labcorp
Classification: Uncertain significance for Developmental and epileptic encephalopathy, 1; Autosomal dominant nonsyndromic hearing loss 65. Last evaluated: 2020-04-13. Review status: criteria provided, single submitter. Criteria: Invitae Variant Classification Sherloc (09022015). Collection method: clinical testing. Allele origin: germline.
Comment: This variant results in a copy number gain of the genomic region encompassing the full coding sequence of the TBC1D24 gene. The boundaries of this event are unknown as they extend beyond the assayed region for this gene and therefore may encompass additional genes. As the precise location of this event is unknown, it may be in tandem or it may be located elsewhere in the genome. This variant has not been reported in the literature in individuals with TBC1D24-related conditions. In summary, the available evidence is currently insufficient to determine the role of this variant in disease. Therefore, it has been classified as a Variant of Uncertain Significance.